The following is an entry in ClinVar:

NM_006218.4(PIK3CA):c.130A>G (p.Thr44Ala)

Gene: PIK3CA (phosphatidylinositol-4,5-bisphosphate 3-kinase catalytic subunit alpha; plus strand). Cytogenetic location: 3q26.32.
Variant type: single nucleotide variant.
Coding change: c.130A>G on transcript NM_006218.4 (MANE Select); coding-DNA position 130, A replaced by G.
Protein change: p.Thr44Ala; replaces threonine 44 with alanine.
Molecular consequence: missense variant.
Genome position (GRCh38, 1-based): chr3:179,198,955, A>G. VCF-style: chr3-179198955-A-G. GRCh37 (hg19) VCF-style: chr3-178916743-A-G.
Other names: short protein forms T44A.
Identifiers: ClinVar variation 4627614 (VCV004627614.1).

ClinVar aggregate classification (germline): Uncertain significance (1 of 4 stars; one submission).

Conditions:
Inborn genetic diseases. Identifiers: MedGen C0950123, MeSH D030342.

gnomAD v4.1: 1 of 1,612,878 alleles (0.000062%); no homozygotes.

Submission:

Ambry Genetics
Classification: Uncertain significance for Inborn genetic diseases. Last evaluated: 2025-09-18. Review status: criteria provided, single submitter. Criteria: Ambry Variant Classification Scheme 2023. Collection method: clinical testing. Allele origin: germline.
Comment: The p.T44A variant (also known as c.130A>G), located in coding exon 1 of the PIK3CA gene, results from an A to G substitution at nucleotide position 130. The threonine at codon 44 is replaced by alanine, an amino acid with similar properties. This amino acid position is conserved. In addition, this alteration is predicted to be tolerated by in silico analysis. Based on the available evidence, the clinical significance of this variant remains unclear.